The following is an entry in ClinVar:

ClinVar aggregate classification (germline): Likely pathogenic. Review status: criteria provided, multiple submitters, no conflicts (2 of 4 stars). 3 submissions from 3 submitters: Likely pathogenic (3). Last evaluated 2025-12-05.

Conditions:
Maple syrup urine disease (MSUD). Identifiers: Orphanet 511, MedGen C0024776, MeSH D008375, MONDO:0009563. Disease mechanism: loss of function.
Maple syrup urine disease type 1A (MSUD1A). Also called: MSUD type 1A. Identifiers: MedGen C1855369, MONDO:0023691, OMIM 248600.

Allele frequency attached by ClinVar (database versions not stated): gnomAD 0.00004 and 0.00005; ExAC 0.00005; gnomAD exomes 0.00006 and 0.00007; TOPMed 0.00007; 1000 Genomes Project 30x 0.00016; 1000 Genomes Project 0.00020.
gnomAD v4.1: 113 of 1,614,128 alleles (0.007%); highest among the groups gnomAD compares: East Asian, 0.011%; no homozygotes.

Submissions (3):

Natera, Inc.
Classification: Likely pathogenic for Maple syrup urine disease type 1A. Last evaluated: 2025-12-05. Review status: criteria provided, single submitter. Criteria: Natera Variant Classification Schema (03/2026). Collection method: clinical testing. Allele origin: germline.
Comment: The c.349C>T variant in BCKDHA is a missense variant predicted to cause substitution of arginine to cysteine at amino acid 117. This variant is rare in the general population with a frequency below the threshold expected for the associated phenotype(s). This variant has been observed in one or more individuals affected with the associated recessive disease, as either homozygous or compound heterozygous with a second variant (PMID: 32193832). This variant has been identified in one or more affected individual with a phenotype highly consistent with the associated gene (PMID: 32193832). Computational prediction algorithms indicate this variant is likely to affect gene or protein function. Given the available evidence, this variant is classified as Likely Pathogenic.

First Genomix Gene Laboratory, Genetic Diagnostics Department
Classification: Likely pathogenic for Maple syrup urine disease type 1A. Last evaluated: 2025-09-09. Review status: criteria provided, single submitter. Criteria: ACMG Guidelines, 2015. Collection method: clinical testing. Allele origin: germline. Inheritance: Autosomal recessive inheritance. Affected: no. Observed: 1 variant allele.

Labcorp Genetics (formerly Invitae), Labcorp
Classification: Likely pathogenic for Maple syrup urine disease. Last evaluated: 2025-03-19. Review status: criteria provided, single submitter. Criteria: Invitae Variant Classification Sherloc (09022015). Collection method: clinical testing. Allele origin: germline.
Comment: This sequence change replaces arginine, which is basic and polar, with cysteine, which is neutral and slightly polar, at codon 117 of the BCKDHA protein (p.Arg117Cys). This variant is present in population databases (rs188135164, gnomAD 0.01%). This missense change has been observed in individual(s) with clinical features of BCKDHA-related conditions (PMID: 32193832). ClinVar contains an entry for this variant (Variation ID: 457143). Invitae Evidence Modeling of protein sequence and biophysical properties (such as structural, functional, and spatial information, amino acid conservation, physicochemical variation, residue mobility, and thermodynamic stability) indicates that this missense variant is expected to disrupt BCKDHA protein function with a positive predictive value of 80%. In summary, the currently available evidence indicates that the variant is pathogenic, but additional data are needed to prove that conclusively. Therefore, this variant has been classified as Likely Pathogenic.

Literature cited by the submitters: PubMed 32193832 (cited by Natera, Inc. and Labcorp Genetics (formerly Invitae), Labcorp).

NM_000709.4(BCKDHA):c.349C>T (p.Arg117Cys)

Gene: BCKDHA (branched chain keto acid dehydrogenase E1 subunit alpha; plus strand). Cytogenetic location: 19q13.2.
Variant type: single nucleotide variant.
Coding change: c.349C>T on transcript NM_000709.4 (MANE Select); coding-DNA position 349, C replaced by T.
Protein change: p.Arg117Cys; replaces arginine 117 with cysteine.
Molecular consequence: missense variant.
Genome position (GRCh38, 1-based): chr19:41,410,983, C>T. VCF-style: chr19-41410983-C-T. GRCh37 (hg19) VCF-style: chr19-41916888-C-T.
Other names: c.349C>T, p.Arg117Cys (NM_001164783.2); short protein forms R117C.
Identifiers: ClinVar variation 457143 (VCV000457143.13), dbSNP rs188135164, ClinGen allele CA9461092.